The following is an entry in ClinVar:

ClinVar aggregate classification (germline): Likely benign. Review status: criteria provided, multiple submitters, no conflicts (2 of 4 stars). 3 submissions from 3 submitters: Likely benign (3). Last evaluated 2026-04-01.

Allele frequency attached by ClinVar (database versions not stated): 1000 Genomes Project 30x 0.00172; ExAC 0.00369; ESP Exome Variant Server 0.00446; 1000 Genomes Project 0.00160.
gnomAD v4.1: 6,226 of 1,611,786 alleles (0.39%); highest among the groups gnomAD compares: Non-Finnish European, 0.44%; 12 homozygotes.

Submissions (3):

CeGaT Center for Human Genetics Tuebingen
Classification: Likely benign. Last evaluated: 2026-04-01. Review status: criteria provided, single submitter. Criteria: CeGaT Center For Human Genetics Tuebingen Variant Classification Criteria Version 2. Collection method: clinical testing. Allele origin: germline. Affected: yes. Observed: 2 variant alleles.
Comment: BLOC1S5: BP4, BP7

Blueprint Genetics
Classification: Likely benign. Last evaluated: 2024-11-23. Review status: criteria provided, single submitter. Criteria: ACMG Guidelines, 2015. Collection method: clinical testing. Allele origin: germline.

Mayo Clinic Laboratories, Mayo Clinic
Classification: Likely benign. Last evaluated: 2024-02-21. Review status: criteria provided, single submitter. Criteria: ACMG Guidelines, 2015. Collection method: clinical testing. Allele origin: germline. Observed: 5 variant alleles.
Comment: BS2_supporting, BP4, BP7

NM_201280.3(BLOC1S5):c.24C>T (p.Thr8=)

Genes: BLOC1S5 (biogenesis of lysosomal organelles complex 1 subunit 5; minus strand), BLOC1S5-TXNDC5 (BLOC1S5-TXNDC5 readthrough (NMD candidate); minus strand), EEF1E1-BLOC1S5 (EEF1E1-BLOC1S5 readthrough (NMD candidate); minus strand). Cytogenetic location: 6p24.3.
Variant type: single nucleotide variant.
Coding change: c.24C>T on transcript NM_201280.3 (MANE Select); coding-DNA position 24, C replaced by T.
Protein change: p.Thr8=; no amino-acid change (threonine 8 retained).
Molecular consequence: synonymous variant. On other transcripts: non-coding transcript variant (1), 5 prime UTR variant (1).
Genome position (GRCh38, 1-based): chr6:8,064,353, G>A on the plus strand (C>T on the coding strand, the complement: BLOC1S5 is on the minus strand). VCF-style: chr6-8064353-G-A. GRCh37 (hg19) VCF-style: chr6-8064586-G-A.
Other names: p.Thr8=; c.-272C>T (NM_001199322.1); c.24C>T, p.Thr8= (NM_001199323.1).
Identifiers: ClinVar variation 2656218 (VCV002656218.26), dbSNP rs144221198, ClinGen allele CA3629964.